The following is an entry in ClinVar:

ClinVar aggregate classification (germline): Uncertain significance. Review status: criteria provided, multiple submitters, no conflicts (2 of 4 stars). 2 submissions from 2 submitters: Uncertain significance (2). Last evaluated 2023-09-12.

Conditions:
Inborn genetic diseases. Identifiers: MedGen C0950123, MeSH D030342.
Severe combined immunodeficiency due to CORO1A deficiency. Also called: Immunodeficiency 8; IMMUNODEFICIENCY 8 WITH LYMPHOPROLIFERATION. Identifiers: Orphanet 228003, MedGen C3809383, MONDO:0014168, OMIM 615401.

Allele frequency attached by ClinVar (database versions not stated): gnomAD exomes 0.00001 and 0.00004; ExAC 0.00002; gnomAD 0.00002 and 0.00003; TOPMed 0.00002.

Submissions (2):

Ambry Genetics
Classification: Uncertain significance for Inborn genetic diseases. Last evaluated: 2023-09-12. Review status: criteria provided, single submitter. Criteria: Ambry Variant Classification Scheme 2023. Collection method: clinical testing. Allele origin: germline.

Labcorp Genetics (formerly Invitae), Labcorp
Classification: Uncertain significance for Severe combined immunodeficiency due to CORO1A deficiency. Last evaluated: 2021-09-24. Review status: criteria provided, single submitter. Criteria: Invitae Variant Classification Sherloc (09022015). Collection method: clinical testing. Allele origin: germline.
Comment: This sequence change replaces serine with leucine at codon 427 of the CORO1A protein (p.Ser427Leu). The serine residue is moderately conserved and there is a large physicochemical difference between serine and leucine. This variant is present in population databases (rs781058961, ExAC 0.008%). This variant has not been reported in the literature in individuals with CORO1A-related conditions. Algorithms developed to predict the effect of missense changes on protein structure and function (SIFT, PolyPhen-2, Align-GVGD) all suggest that this variant is likely to be tolerated, but these predictions have not been confirmed by published functional studies and their clinical significance is uncertain. Algorithms developed to predict the effect of sequence changes on RNA splicing suggest that this variant may disrupt the consensus splice site, but this prediction has not been confirmed by published transcriptional studies. In summary, the available evidence is currently insufficient to determine the role of this variant in disease. Therefore, it has been classified as a Variant of Uncertain Significance.

NM_007074.4(CORO1A):c.1280C>T (p.Ser427Leu)

Gene: CORO1A (coronin 1A; plus strand). Cytogenetic location: 16p11.2.
Variant type: single nucleotide variant.
Coding change: c.1280C>T on transcript NM_007074.4 (MANE Select); coding-DNA position 1280, C replaced by T.
Protein change: p.Ser427Leu; replaces serine 427 with leucine.
Molecular consequence: missense variant.
Genome position (GRCh38, 1-based): chr16:30,188,575, C>T. VCF-style: chr16-30188575-C-T. GRCh37 (hg19) VCF-style: chr16-30199896-C-T.
Other names: c.1280C>T, p.Ser427Leu (NM_001193333.3); short protein forms S427L.
Identifiers: ClinVar variation 652337 (VCV000652337.8), dbSNP rs781058961, ClinGen allele CA8003446.